The following is an entry in ClinVar:

ClinVar aggregate classification (germline): Uncertain significance (1 of 4 stars; one submission).

gnomAD v4.1: 5 of 1,613,958 alleles (0.00031%); highest among the groups gnomAD compares: Admixed American, 0.0017%; no homozygotes.

Submission:

Women's Health and Genetics/Laboratory Corporation of America, LabCorp
Classification: Uncertain significance. Last evaluated: 2025-02-20. Review status: criteria provided, single submitter. Criteria: LabCorp Variant Classification Summary - May 2015. Collection method: clinical testing. Allele origin: germline.
Comment: Variant summary: ZNF462 c.3244T>C (p.Ser1082Pro) results in a non-conservative amino acid change in the encoded protein sequence. Three of four in-silico tools predict a damaging effect of the variant on protein function. The variant allele was found at a frequency of 4e-06 in 250872 control chromosomes. The available data on variant occurrences in the general population are insufficient to allow any conclusion about variant significance. To our knowledge, no occurrence of c.3244T>C in individuals affected with Weiss-Kruszka Syndrome and no experimental evidence demonstrating its impact on protein function have been reported. No submitters have cited clinical-significance assessments for this variant to ClinVar. Based on the evidence outlined above, the variant was classified as uncertain significance.

NM_021224.6(ZNF462):c.3244T>C (p.Ser1082Pro)

Gene: ZNF462 (zinc finger protein 462; plus strand). Cytogenetic location: 9q31.2.
Variant type: single nucleotide variant.
Coding change: c.3244T>C on transcript NM_021224.6 (MANE Select); coding-DNA position 3244, T replaced by C.
Protein change: p.Ser1082Pro; replaces serine 1082 with proline.
Molecular consequence: missense variant.
Genome position (GRCh38, 1-based): chr9:106,927,156, T>C. VCF-style: chr9-106927156-T-C. GRCh37 (hg19) VCF-style: chr9-109689437-T-C.
Other names: c.3244T>C, p.Ser1082Pro (NM_001347997.2); short protein forms S1082P.
Identifiers: ClinVar variation 3768916 (VCV003768916.1).